The following is an entry in ClinVar:

NM_199420.4(POLQ):c.1129T>C (p.Cys377Arg)

Gene: POLQ (DNA polymerase theta; minus strand). Cytogenetic location: 3q13.33.
Variant type: single nucleotide variant.
Coding change: c.1129T>C on transcript NM_199420.4 (MANE Select); coding-DNA position 1129, T replaced by C.
Protein change: p.Cys377Arg; replaces cysteine 377 with arginine.
Molecular consequence: missense variant.
Genome position (GRCh38, 1-based): chr3:121,522,129, A>G on the plus strand (T>C on the coding strand, the complement: POLQ is on the minus strand). VCF-style: chr3-121522129-A-G. GRCh37 (hg19) VCF-style: chr3-121240976-A-G.
Other names: short protein forms C377R.
Identifiers: ClinVar variation 1727772 (VCV001727772.3), dbSNP rs1334137993, ClinGen allele CA354122040.

ClinVar aggregate classification (germline): Uncertain significance (1 of 4 stars; one submission).

Allele frequency attached by ClinVar (database versions not stated): gnomAD 0.00001; TOPMed 0.00001.
gnomAD v4.1: 5 of 1,604,080 alleles (0.00031%); highest among the groups gnomAD compares: Non-Finnish European, 0.00042%; no homozygotes.

Submission:

Ambry Genetics
Classification: Uncertain significance. Last evaluated: 2023-06-17. Review status: criteria provided, single submitter. Criteria: Ambry Variant Classification Scheme 2023. Collection method: clinical testing. Allele origin: germline.
Comment: The p.C377R variant (also known as c.1129T>C), located in coding exon 8 of the POLQ gene, results from a T to C substitution at nucleotide position 1129. The cysteine at codon 377 is replaced by arginine, an amino acid with highly dissimilar properties. This amino acid position is conserved. In addition, this alteration is predicted to be tolerated by in silico analysis. Since supporting evidence is limited at this time, the clinical significance of this alteration remains unclear.